The following is an entry in ClinVar:

NM_002485.5(NBN):c.2039G>A (p.Gly680Asp)

Gene: NBN (nibrin; minus strand). Cytogenetic location: 8q21.3.
Variant type: single nucleotide variant.
Coding change: c.2039G>A on transcript NM_002485.5 (MANE Select); coding-DNA position 2039, G replaced by A.
Protein change: p.Gly680Asp; replaces glycine 680 with aspartic acid.
Molecular consequence: missense variant.
Genome position (GRCh38, 1-based): chr8:89,946,171, C>T on the plus strand (G>A on the coding strand, the complement: NBN is on the minus strand). VCF-style: chr8-89946171-C-T. GRCh37 (hg19) VCF-style: chr8-90958399-C-T.
Other names: c.1793G>A, p.Gly598Asp (NM_001024688.3); short protein forms G598D, G680D.
Identifiers: ClinVar variation 2676934 (VCV002676934.5), dbSNP rs1425101720, ClinGen allele CA371676385.

ClinVar aggregate classification (germline): Uncertain significance. Review status: criteria provided, multiple submitters, no conflicts (2 of 4 stars). 3 submissions from 3 submitters: Uncertain significance (3). Last evaluated 2024-12-07.

Conditions:
Aplastic anemia. Identifiers: Orphanet 182040, Orphanet 88, MedGen C0002874, MONDO:0015909, OMIM 609135, HP:0001915.
Microcephaly, normal intelligence and immunodeficiency (NBS). Also called: IMMUNODEFICIENCY, MICROCEPHALY, AND CHROMOSOMAL INSTABILITY; SEEMANOVA SYNDROME II; Nijmegen breakage syndrome; Microcephaly with normal intelligence immunodeficiency and lymphoreticular malignancies; Nonsyndromal microcephaly autosomal recessive with normal intelligence; Seemanova syndrome 2. Identifiers: Orphanet 647, MedGen C0398791, MONDO:0009623, OMIM 251260.
Hereditary cancer-predisposing syndrome. Also called: Tumor predisposition; Neoplastic Syndromes, Hereditary; Hereditary Cancer Syndrome; Hereditary neoplastic syndrome. Identifiers: Orphanet 140162, MedGen C0027672, MeSH D009386, MONDO:0015356.

Submissions (3):

Ambry Genetics
Classification: Uncertain significance for Hereditary cancer-predisposing syndrome. Last evaluated: 2024-12-07. Review status: criteria provided, single submitter. Criteria: Ambry Variant Classification Scheme 2023. Collection method: clinical testing. Allele origin: germline.
Comment: The p.G680D variant (also known as c.2039G>A), located in coding exon 13 of the NBN gene, results from a G to A substitution at nucleotide position 2039. The glycine at codon 680 is replaced by aspartic acid, an amino acid with similar properties. This amino acid position is conserved. In addition, this alteration is predicted to be tolerated by in silico analysis. Based on the available evidence, the clinical significance of this variant remains unclear.

Baylor Genetics
Classification: Uncertain significance for Aplastic anemia. Last evaluated: 2023-09-15. Review status: criteria provided, single submitter. Criteria: ACMG Guidelines, 2015. Collection method: clinical testing. Allele origin: unknown.

Labcorp Genetics (formerly Invitae), Labcorp
Classification: Uncertain significance for Microcephaly, normal intelligence and immunodeficiency. Last evaluated: 2023-06-23. Review status: criteria provided, single submitter. Criteria: Invitae Variant Classification Sherloc (09022015). Collection method: clinical testing. Allele origin: germline.
Comment: This sequence change replaces glycine, which is neutral and non-polar, with aspartic acid, which is acidic and polar, at codon 680 of the NBN protein (p.Gly680Asp). This variant is present in population databases (no rsID available, gnomAD 0.0009%). This variant has not been reported in the literature in individuals affected with NBN-related conditions. An algorithm developed to predict the effect of missense changes on protein structure and function (PolyPhen-2) suggests that this variant is likely to be tolerated. In summary, the available evidence is currently insufficient to determine the role of this variant in disease. Therefore, it has been classified as a Variant of Uncertain Significance.